The following is an entry in ClinVar:

ClinVar aggregate classification (germline): Uncertain significance (1 of 4 stars; one submission).

Conditions:
T-cell immunodeficiency, congenital alopecia, and nail dystrophy. Also called: Congenital alopecia and nail dystrophy associated with severe functional T-cell immunodeficiency; Pignata Guarino syndrome. Identifiers: Orphanet 169095, MedGen C1866426, MONDO:0011132, OMIM 601705.

Allele frequency attached by ClinVar (database versions not stated): gnomAD exomes below 0.00001; ExAC 0.00001; TOPMed 0.00001.
gnomAD v4.1: 5 of 1,612,306 alleles (0.00031%); highest among the groups gnomAD compares: South Asian, 0.0022%; no homozygotes.

Submission:

Labcorp Genetics (formerly Invitae), Labcorp
Classification: Uncertain significance for T-cell immunodeficiency, congenital alopecia, and nail dystrophy. Last evaluated: 2021-08-28. Review status: criteria provided, single submitter. Criteria: Invitae Variant Classification Sherloc (09022015). Collection method: clinical testing. Allele origin: germline.
Comment: This sequence change affects codon 21 of the FOXN1 mRNA. It is a 'silent' change, meaning that it does not change the encoded amino acid sequence of the FOXN1 protein. This variant is present in population databases (rs758840390, ExAC 0.006%). This variant has not been reported in the literature in individuals affected with FOXN1-related conditions. Algorithms developed to predict the effect of sequence changes on RNA splicing suggest that this variant may create or strengthen a splice site. In summary, the available evidence is currently insufficient to determine the role of this variant in disease. Therefore, it has been classified as a Variant of Uncertain Significance.

NM_001369369.1(FOXN1):c.63C>T (p.Gly21=)

Gene: FOXN1 (forkhead box N1; plus strand). Cytogenetic location: 17q11.2.
Variant type: single nucleotide variant.
Coding change: c.63C>T on transcript NM_001369369.1 (MANE Select); coding-DNA position 63, C replaced by T.
Protein change: p.Gly21=; no amino-acid change (glycine 21 retained).
Molecular consequence: synonymous variant.
Genome position (GRCh38, 1-based): chr17:28,524,032, C>T. VCF-style: chr17-28524032-C-T. GRCh37 (hg19) VCF-style: chr17-26851050-C-T.
Other names: c.63C>T, p.Gly21= (NM_003593.3).
Identifiers: ClinVar variation 954002 (VCV000954002.4), dbSNP rs758840390, ClinGen allele CA8459128.
Genomic context (GRCh38, chr17:28,524,032, plus strand): 5'-GGTGTCGCTACCCCCGCCGCAGTCTGACGTCACGCTGCCGGGCCCCACCAGACTGGAGGG[C>T]GAGCGCCAAGGGGACCTCATGCAGGCACCGGGCCTCCCAGGCTCCCCTGCCCCACAGAGT-3'
Protein context (NP_001356298.1, residues 11-31): VTLPGPTRLE[Gly21=]ERQGDLMQAP